The following is an entry in ClinVar:

ClinVar aggregate classification (germline): Conflicting classifications of pathogenicity. Review status: criteria provided, conflicting classifications (1 of 4 stars). 6 submissions from 6 submitters: Uncertain significance (1); Benign (1); Likely benign (4). Last evaluated 2026-09-01.

Conditions:
Genitopatellar syndrome (GTPTS). Also called: Genitopatellar syndrome (GPS); ABSENT PATELLAE, SCROTAL HYPOPLASIA, RENAL ANOMALIES, FACIAL DYSMORPHISM, AND MENTAL RETARDATION. Identifiers: Orphanet 85201, MedGen C1853566, MONDO:0011640, OMIM 606170.
KAT6B-related disorder. Also called: KAT6B-related disorders; KAT6B-related condition.

Allele frequency attached by ClinVar (database versions not stated): ExAC 0.00018; gnomAD exomes 0.00025; ESP Exome Variant Server 0.00038.
gnomAD v4.1: 378 of 1,613,836 alleles (0.023%); highest among the groups gnomAD compares: Non-Finnish European, 0.029%; no homozygotes.

Submissions (6):

CeGaT Center for Human Genetics Tuebingen
Classification: Uncertain significance. Last evaluated: 2026-09-01. Review status: criteria provided, single submitter. Criteria: CeGaT Center For Human Genetics Tuebingen Variant Classification Criteria Version 2. Collection method: clinical testing. Allele origin: germline. Affected: yes. Observed: 1 variant allele.

PreventionGenetics, part of Exact Sciences
Classification: Likely benign for KAT6B-related condition. Last evaluated: 2026-05-12. Review status: criteria provided, single submitter. Criteria: ACMG Guidelines, 2015. Collection method: clinical testing. Allele origin: germline.
Comment: This variant is classified as likely benign based on ACMG/AMP sequence variant interpretation guidelines (Richards et al. 2015 PMID: 25741868, with internal and published modifications).

Labcorp Genetics (formerly Invitae), Labcorp
Classification: Benign for Genitopatellar syndrome. Last evaluated: 2026-02-02. Review status: criteria provided, single submitter. Criteria: Invitae Variant Classification Sherloc (09022015). Collection method: clinical testing. Allele origin: germline.

Laboratory of Genetics, Children's Clinical University Hospital Latvia
Classification: Likely benign. Last evaluated: 2025-02-16. Review status: criteria provided, single submitter. Criteria: ACMG Guidelines, 2015. Collection method: clinical testing. Allele origin: germline. Affected: yes.

Blueprint Genetics
Classification: Likely benign. Last evaluated: 2024-11-08. Review status: criteria provided, single submitter. Criteria: ACMG Guidelines, 2015. Collection method: clinical testing. Allele origin: germline.

GeneDx
Classification: Likely benign. Last evaluated: 2021-03-22. Review status: criteria provided, single submitter. Criteria: GeneDx Variant Classification Process June 2021. Collection method: clinical testing. Allele origin: germline. Affected: yes.

NM_012330.4(KAT6B):c.2878C>T (p.Arg960Trp)

Gene: KAT6B (lysine acetyltransferase 6B; plus strand). Cytogenetic location: 10q22.2.
Variant type: single nucleotide variant.
Coding change: c.2878C>T on transcript NM_012330.4 (MANE Select); coding-DNA position 2878, C replaced by T.
Protein change: p.Arg960Trp; replaces arginine 960 with tryptophan.
Molecular consequence: missense variant.
Genome position (GRCh38, 1-based): chr10:75,021,142, C>T. VCF-style: chr10-75021142-C-T. GRCh37 (hg19) VCF-style: chr10-76780900-C-T.
Other names: c.2329C>T, p.Arg777Trp (NM_001256468.2, NM_001370138.1); c.2002C>T, p.Arg668Trp (NM_001256469.2, NM_001370139.1, NM_001370140.1 and 2 more transcripts); c.1840C>T, p.Arg614Trp (NM_001370132.1); c.1189C>T, p.Arg397Trp (NM_001370133.1); c.793C>T, p.Arg265Trp (NM_001370134.1); c.535C>T, p.Arg179Trp (NM_001370135.1); c.2878C>T, p.Arg960Trp (NM_001370136.1, NM_001370137.1); c.1813C>T, p.Arg605Trp (NM_001370143.1, NM_001370144.1); short protein forms R179W, R265W, R397W, R605W, R614W, R668W, R777W, R960W.
Identifiers: ClinVar variation 1213461 (VCV001213461.13), dbSNP rs147643220, ClinGen allele CA5564678.